The following is an entry in ClinVar:

ClinVar aggregate classification (germline): Uncertain significance (1 of 4 stars; one submission).

Submission:

Labcorp Genetics (formerly Invitae), Labcorp
Classification: Uncertain significance. Last evaluated: 2023-01-12. Review status: criteria provided, single submitter. Criteria: Invitae Variant Classification Sherloc (09022015). Collection method: clinical testing. Allele origin: unknown.
Comment: This variant is a gross deletion of the genomic region encompassing exon(s) 11 of the MBTPS1 gene. This variant would be expected to be in-frame, preserving the integrity of the reading frame. In summary, the available evidence is currently insufficient to determine the role of this variant in disease. Therefore, it has been classified as a Variant of Uncertain Significance. Experimental studies and prediction algorithms are not available or were not evaluated, and the functional significance of this variant is currently unknown. This variant has not been reported in the literature in individuals affected with MBTPS1-related conditions.

NC_000016.9:g.(?_84115332)_(84115533_?)del

Gene: MBTPS1 (membrane bound transcription factor peptidase, site 1; minus strand). Cytogenetic location: 16q23.3.
Variant type: Deletion.
Identifiers: ClinVar variation 3243637 (VCV003243637.1).